The following is an entry in ClinVar:

ClinVar aggregate classification (germline): Benign/Likely benign. Review status: criteria provided, multiple submitters, no conflicts (2 of 4 stars). 6 submissions from 6 submitters: Benign (3); Likely benign (1). 2 of the submissions do not count toward it. Last evaluated 2026-02-03.

Conditions:
Vitreoretinopathy. Also called: Vitreoretinal degeneration. Identifiers: MedGen C0344290, MONDO:0020248, HP:0007773.

Allele frequency attached by ClinVar (database versions not stated): TOPMed 0.00039; gnomAD 0.00043 and 0.00030; ExAC 0.00074; gnomAD exomes 0.00080; 1000 Genomes Project 30x 0.00187; 1000 Genomes Project 0.00200; ESP Exome Variant Server 0.00038.
gnomAD v4.1: 307 of 1,614,008 alleles (0.019%); highest among the groups gnomAD compares: East Asian, 0.44%; no homozygotes.

Submissions (6):

Labcorp Genetics (formerly Invitae), Labcorp
Classification: Benign. Last evaluated: 2026-02-03. Review status: criteria provided, single submitter. Criteria: Invitae Variant Classification Sherloc (09022015). Collection method: clinical testing. Allele origin: germline.

Blueprint Genetics
Classification: Likely benign. Last evaluated: 2024-09-16. Review status: criteria provided, single submitter. Criteria: ACMG Guidelines, 2015. Collection method: clinical testing. Allele origin: germline.

Illumina Laboratory Services, Illumina
Classification: Benign for Vitreoretinopathy. Last evaluated: 2018-01-12. Review status: criteria provided, single submitter. Criteria: ICSL Variant Classification Criteria 13 December 2019. Collection method: clinical testing. Allele origin: germline.
Comment: This variant was observed in the ICSL laboratory as part of a predisposition screen in an ostensibly healthy population. It had not been previously curated by ICSL or reported in the Human Gene Mutation Database (HGMD: prior to June 1st, 2018), and was therefore a candidate for classification through an automated scoring system. Utilizing variant allele frequency, disease prevalence and penetrance estimates, and inheritance mode, an automated score was calculated to assess if this variant is too frequent to cause the disease. Based on the score and internal cut-off values, a variant classified as benign is not then subjected to further curation. The score for this variant resulted in a classification of benign for this disease.

Eurofins Ntd Llc (ga)
Classification: Benign. Last evaluated: 2016-10-31. Review status: criteria provided, single submitter. Criteria: EGL Classification Definitions 2015. Collection method: clinical testing. Allele origin: germline. Observed: 2 variant alleles, 2 heterozygotes.

Clinical Genetics DNA and cytogenetics Diagnostics Lab, Erasmus MC, Erasmus Medical Center
Classification: Benign. Review status: no assertion criteria provided. Collection method: clinical testing. Allele origin: germline. Affected: yes. Study: VKGL Data-share Consensus. Not counted in ClinVar's aggregate classification.

Clinical Genetics, Academic Medical Center
Classification: Benign. Review status: no assertion criteria provided. Collection method: clinical testing. Allele origin: germline. Affected: yes. Study: VKGL Data-share Consensus. Not counted in ClinVar's aggregate classification.

NM_004385.5(VCAN):c.1895C>T (p.Thr632Met)

Gene: VCAN (versican; plus strand). Cytogenetic location: 5q14.3.
Variant type: single nucleotide variant.
Coding change: c.1895C>T on transcript NM_004385.5 (MANE Select); coding-DNA position 1895, C replaced by T.
Protein change: p.Thr632Met; replaces threonine 632 with methionine.
Molecular consequence: missense variant. On other transcripts: intron variant (2).
Genome position (GRCh38, 1-based): chr5:83,520,201, C>T. VCF-style: chr5-83520201-C-T. GRCh37 (hg19) VCF-style: chr5-82816020-C-T.
Other names: c.1895C>T, p.Thr632Met (NM_001164098.2); c.1042+7805C>T (NM_001164097.2, NM_001126336.3); short protein forms T632M.
Identifiers: ClinVar variation 354400 (VCV000354400.24), dbSNP rs143729093, ClinGen allele CA3332747.